The following is an entry in ClinVar:

ClinVar aggregate classification (germline): Pathogenic (1 of 4 stars; one submission).

Conditions:
Primary pulmonary hypertension. Also called: Idiopathic pulmonary hypertension. Identifiers: MedGen C0152171.

Submission:

Labcorp Genetics (formerly Invitae), Labcorp
Classification: Pathogenic for Primary pulmonary hypertension. Last evaluated: 2023-03-07. Review status: criteria provided, single submitter. Criteria: Invitae Variant Classification Sherloc (09022015). Collection method: clinical testing. Allele origin: unknown.
Comment: For these reasons, this variant has been classified as Pathogenic. This variant disrupts a region of the BMPR2 protein in which other variant(s) (p.Arg491Gln) have been determined to be pathogenic (PMID: 10903931, 32581362). This suggests that this is a clinically significant region of the protein, and that variants that disrupt it are likely to be disease-causing. This variant has not been reported in the literature in individuals affected with BMPR2-related conditions. This variant is a gross deletion of the genomic region encompassing exon(s) 6-13 of the BMPR2 gene, which includes the termination codon. This deletion extends beyond the assayed region for this gene and therefore may encompass additional genes. While this deletion is not anticipated to lead to nonsense mediated decay, it is expected to alter mRNA translation or result in a truncated protein product.

Literature cited by the submitters: PubMed 10903931; PubMed 32581362.

NC_000002.11:g.(?_203383525)_(203424669_?)del

Gene: BMPR2 (bone morphogenetic protein receptor type 2; plus strand). Cytogenetic location: 2q33.2.
Variant type: Deletion.
Identifiers: ClinVar variation 3247137 (VCV003247137.1).